The following is an entry in ClinVar:

ClinVar aggregate classification (germline): Uncertain significance (1 of 4 stars; one submission).

Submission:

GeneDx
Classification: Uncertain significance. Last evaluated: 2022-07-19. Review status: criteria provided, single submitter. Criteria: GeneDx Variant Classification Process June 2021. Collection method: clinical testing. Allele origin: germline. Affected: yes.
Comment: Not observed at significant frequency in large population cohorts (gnomAD); In silico analysis supports that this missense variant does not alter protein structure/function; Has not been previously published as pathogenic or benign to our knowledge

NM_016284.5(CNOT1):c.3134C>G (p.Thr1045Ser)

Gene: CNOT1 (CCR4-NOT transcription complex subunit 1; minus strand). Cytogenetic location: 16q21.
Variant type: single nucleotide variant.
Coding change: c.3134C>G on transcript NM_016284.5 (MANE Select); coding-DNA position 3134, C replaced by G.
Protein change: p.Thr1045Ser; replaces threonine 1045 with serine.
Molecular consequence: missense variant. On other transcripts: non-coding transcript variant (1).
Genome position (GRCh38, 1-based): chr16:58,551,656, G>C on the plus strand (C>G on the coding strand, the complement: CNOT1 is on the minus strand). VCF-style: chr16-58551656-G-C. GRCh37 (hg19) VCF-style: chr16-58585560-G-C.
Other names: c.3119C>G, p.Thr1040Ser (NM_001265612.2); c.3134C>G, p.Thr1045Ser (NM_206999.3); short protein forms T1040S, T1045S.
Identifiers: ClinVar variation 2136064 (VCV002136064.1), dbSNP rs1158738988, ClinGen allele CA396172783.